The following is an entry in ClinVar:

NM_133379.5(TTN):c.15261C>A (p.Pro5087=)

Gene: TTN (titin; minus strand). Cytogenetic location: 2q31.2.
Variant type: single nucleotide variant.
Coding change: c.15261C>A on transcript NM_133379.5; coding-DNA position 15261, C replaced by A.
Protein change: p.Pro5087=; no amino-acid change (proline 5087 retained).
Molecular consequence: synonymous variant. On other transcripts: intron variant (6).
Genome position (GRCh38, 1-based): chr2:178,747,139, G>T on the plus strand (C>A on the coding strand, the complement: TTN is on the minus strand). VCF-style: chr2-178747139-G-T. GRCh37 (hg19) VCF-style: chr2-179611866-G-T.
Other names: c.10223-5218C>A (NM_003319.4); c.10799-5218C>A (NM_133437.4); c.10598-5218C>A (NM_133432.3); c.10360+5985C>A (NM_133378.4); c.10361-5218C>A (NM_001256850.1); c.11312-5218C>A (NM_001267550.2).
Identifiers: ClinVar variation 497559 (VCV000497559.11), dbSNP rs565824755, ClinGen allele CA2003139.

ClinVar aggregate classification (germline): Conflicting classifications of pathogenicity. Review status: criteria provided, conflicting classifications (1 of 4 stars). 3 submissions from 3 submitters: Uncertain significance (1); Likely benign (2). Last evaluated 2025-12-01.

Allele frequency attached by ClinVar (database versions not stated): gnomAD exomes 0.00006; gnomAD 0.00010 and 0.00011; TOPMed 0.00011; 1000 Genomes Project 0.00040.
gnomAD v4.1: 50 of 1,604,922 alleles (0.0031%); highest among the groups gnomAD compares: Admixed American, 0.05%; no homozygotes.

Submissions (3):

CeGaT Center for Human Genetics Tuebingen
Classification: Likely benign. Last evaluated: 2025-12-01. Review status: criteria provided, single submitter. Criteria: CeGaT Center For Human Genetics Tuebingen Variant Classification Criteria Version 2. Collection method: clinical testing. Allele origin: germline. Affected: yes. Observed: 1 variant allele.
Comment: TTN: BP4, BP7

Blueprint Genetics
Classification: Likely benign. Last evaluated: 2023-08-25. Review status: criteria provided, single submitter. Criteria: ACMG Guidelines, 2015. Collection method: clinical testing. Allele origin: germline.

Eurofins Ntd Llc (ga)
Classification: Uncertain significance. Last evaluated: 2016-12-30. Review status: criteria provided, single submitter. Criteria: EGL Classification Definitions 2015. Collection method: clinical testing. Allele origin: germline. Observed: 1 variant allele, 1 heterozygote.